The following is an entry in ClinVar:

NM_006941.4(SOX10):c.698-2A>G

Genes: POLR2F (RNA polymerase II, I and III subunit F; plus strand), SOX10 (SRY-box transcription factor 10; minus strand). Cytogenetic location: 22q13.1.
Variant type: single nucleotide variant.
Coding change: c.698-2A>G on transcript NM_006941.4 (MANE Select); the canonical splice acceptor site of the intron before coding-DNA position 698, A replaced by G.
Molecular consequence: splice acceptor variant. On other transcripts: intron variant (3).
Genome position (GRCh38, 1-based): chr22:37,974,200, T>C on the plus strand (A>G on the coding strand, the complement: SOX10 is on the minus strand). VCF-style: chr22-37974200-T-C. GRCh37 (hg19) VCF-style: chr22-38370207-T-C.
Other names: c.*38+1890T>C (NM_001363825.1); c.293+7030T>C (NM_001301130.2, NM_001301131.2).
Identifiers: ClinVar variation 4686086 (VCV004686086.1).

ClinVar aggregate classification (germline): Likely pathogenic (1 of 4 stars; one submission).

Conditions:
Monogenic hearing loss.

Submission:

Genetics Laboratory, Great Ormond Street Hospital NHS Foundation Trust, North Thames Genomic Laboratory Hub
Classification: Likely pathogenic for Monogenic hearing loss. Last evaluated: 2025-11-21. Review status: criteria provided, single submitter. Criteria: ACGS Best Practice Guidelines for Variant Classification in Rare Disease 2024 v1.2. Collection method: clinical testing. Allele origin: germline. Affected: yes.
Comment: PM2_moderate, PVS1_strong, PP4_supporting